The following is an entry in ClinVar:

ClinVar aggregate classification (germline): Likely benign. Review status: criteria provided, single submitter (1 of 4 stars). 2 submissions from 2 submitters: Likely benign (1). 1 of the submissions does not count toward it. Last evaluated 2025-08-01.

Conditions:
TNS1-related disorder. Also called: TNS1-related condition.

Allele frequency attached by ClinVar (database versions not stated): 1000 Genomes Project 0.00100; 1000 Genomes Project 30x 0.00109; TOPMed 0.00206; gnomAD 0.00242; ESP Exome Variant Server 0.00246; ExAC 0.00274; gnomAD exomes 0.00372.
gnomAD v4.1: 5,769 of 1,614,146 alleles (0.36%); highest among the groups gnomAD compares: Non-Finnish European, 0.44%; 14 homozygotes.

Submissions (2):

CeGaT Center for Human Genetics Tuebingen
Classification: Likely benign. Last evaluated: 2025-08-01. Review status: criteria provided, single submitter. Criteria: CeGaT Center For Human Genetics Tuebingen Variant Classification Criteria Version 2. Collection method: clinical testing. Allele origin: germline. Affected: yes. Observed: 2 variant alleles.
Comment: TNS1: BS2

PreventionGenetics, part of Exact Sciences
Classification: Likely benign for TNS1-related condition. Last evaluated: 2022-07-14. Review status: no assertion criteria provided. Collection method: clinical testing. Allele origin: germline. Not counted in ClinVar's aggregate classification.
Comment: This variant is classified as likely benign based on ACMG/AMP sequence variant interpretation guidelines (Richards et al. 2015 PMID: 25741868, with internal and published modifications).

NM_001387777.1(TNS1):c.5414C>T (p.Thr1805Met)

Gene: TNS1 (tensin 1; minus strand). Cytogenetic location: 2q35.
Variant type: single nucleotide variant.
Coding change: c.5414C>T on transcript NM_001387777.1 (MANE Select); coding-DNA position 5414, C replaced by T.
Protein change: p.Thr1805Met; replaces threonine 1805 with methionine.
Molecular consequence: missense variant.
Genome position (GRCh38, 1-based): chr2:217,804,565, G>A on the plus strand (C>T on the coding strand, the complement: TNS1 is on the minus strand). VCF-style: chr2-217804565-G-A. GRCh37 (hg19) VCF-style: chr2-218669288-G-A.
Other names: c.5060C>T, p.Thr1687Met (NM_001308022.2); c.5039C>T, p.Thr1680Met (NM_001308023.2); c.5102C>T, p.Thr1701Met (NM_022648.7); short protein forms T1680M, T1687M, T1701M, T1805M.
Identifiers: ClinVar variation 3033607 (VCV003033607.15), dbSNP rs61740054, ClinGen allele CA2099273.